The following is an entry in ClinVar:

ClinVar aggregate classification (germline): Uncertain significance (1 of 4 stars; one submission).

Allele frequency attached by ClinVar (database versions not stated): ExAC 0.00001; TOPMed 0.00002; gnomAD 0.00003; gnomAD exomes 0.00003.
gnomAD v4.1: 44 of 1,613,880 alleles (0.0027%); highest among the groups gnomAD compares: Non-Finnish European, 0.0036%; no homozygotes.

Submission:

Labcorp Genetics (formerly Invitae), Labcorp
Classification: Uncertain significance. Last evaluated: 2022-06-15. Review status: criteria provided, single submitter. Criteria: Invitae Variant Classification Sherloc (09022015). Collection method: clinical testing. Allele origin: germline.
Comment: This sequence change replaces glutamic acid, which is acidic and polar, with glycine, which is neutral and non-polar, at codon 589 of the RUSC2 protein (p.Glu589Gly). This variant is present in population databases (rs772593646, gnomAD 0.006%). This variant has not been reported in the literature in individuals affected with RUSC2-related conditions. Algorithms developed to predict the effect of missense changes on protein structure and function are either unavailable or do not agree on the potential impact of this missense change (SIFT: "Deleterious"; PolyPhen-2: "Benign"; Align-GVGD: "Class C0"). In summary, the available evidence is currently insufficient to determine the role of this variant in disease. Therefore, it has been classified as a Variant of Uncertain Significance.

NM_014806.5(RUSC2):c.1766A>G (p.Glu589Gly)

Gene: RUSC2 (RUN and SH3 domain containing 2; plus strand). Cytogenetic location: 9p13.3.
Variant type: single nucleotide variant.
Coding change: c.1766A>G on transcript NM_014806.5 (MANE Select); coding-DNA position 1766, A replaced by G.
Protein change: p.Glu589Gly; replaces glutamic acid 589 with glycine.
Molecular consequence: missense variant. On other transcripts: intron variant (1).
Genome position (GRCh38, 1-based): chr9:35,548,287, A>G. VCF-style: chr9-35548287-A-G. GRCh37 (hg19) VCF-style: chr9-35548284-A-G.
Other names: c.1766A>G, p.Glu589Gly (NM_001135999.2); c.-620-6773A>G (NM_001330740.2); short protein forms E589G.
Identifiers: ClinVar variation 2180023 (VCV002180023.1), dbSNP rs772593646, ClinGen allele CA5043726.